The following is an entry in ClinVar:

ClinVar aggregate classification (germline): Uncertain significance (1 of 4 stars; one submission).

gnomAD v4.1: 3 of 1,613,932 alleles (0.00019%); highest among the groups gnomAD compares: Non-Finnish European, 0.00025%; no homozygotes.

Submission:

GeneDx
Classification: Uncertain significance. Last evaluated: 2024-08-28. Review status: criteria provided, single submitter. Criteria: GeneDx Variant Classification Process June 2021. Collection method: clinical testing. Allele origin: germline. Affected: yes.
Comment: Nonsense variant predicted to result in protein truncation or nonsense mediated decay in a gene or region of a gene for which loss of function is not a well-established mechanism of disease; Has not been previously published as pathogenic or benign to our knowledge

NM_001923.5(DDB1):c.2839C>T (p.Arg947Ter)

Gene: DDB1 (damage specific DNA binding protein 1; minus strand). Cytogenetic location: 11q12.2.
Variant type: single nucleotide variant.
Coding change: c.2839C>T on transcript NM_001923.5 (MANE Select); coding-DNA position 2839, C replaced by T.
Protein change: p.Arg947Ter; replaces arginine 947 with a stop codon.
Molecular consequence: nonsense.
Genome position (GRCh38, 1-based): chr11:61,303,149, G>A on the plus strand (C>T on the coding strand, the complement: DDB1 is on the minus strand). VCF-style: chr11-61303149-G-A. GRCh37 (hg19) VCF-style: chr11-61070621-G-A.
Other names: short protein forms R947*.
Identifiers: ClinVar variation 3766311 (VCV003766311.1).
Genomic context (GRCh38, chr11:61,303,149, plus strand): 5'-CCAGAAAATTGTCATCATCCAAGATTTCCACAGCACTCATCCAGTTGGGATTAAAGTCTC[G>A]AGCAATCTTAAAACAGACAAGGTGAAAGAAGAAAGCATAATCAGCAGTTTGCACGGAATC-3'